The following is an entry in ClinVar:

ClinVar aggregate classification (germline): Uncertain significance (1 of 4 stars; one submission).

Conditions:
TNF receptor-associated periodic fever syndrome (TRAPS) (FPF). Also called: TNF receptor 1-associated periodic fever syndrome; TNF Receptor-Associated Periodic Fever Syndrome; FAMILIAL HIBERNIAN FEVER; TNF RECEPTOR-ASSOCIATED PERIODIC SYNDROME; TUMOR NECROSIS FACTOR RECEPTOR-ASSOCIATED PERIODIC SYNDROME; Autosomal Dominant Familial Periodic Fever. Identifiers: Orphanet 32960, MedGen C1275126, MONDO:0007727, OMIM 142680.

Submission:

Labcorp Genetics (formerly Invitae), Labcorp
Classification: Uncertain significance for TNF receptor-associated periodic fever syndrome (TRAPS). Last evaluated: 2025-10-21. Review status: criteria provided, single submitter. Criteria: Invitae Variant Classification Sherloc (09022015). Collection method: clinical testing. Allele origin: germline.
Comment: This sequence change replaces cysteine, which is neutral and slightly polar, with glycine, which is neutral and non-polar, at codon 81 of the TNFRSF1A protein (p.Cys81Gly). This variant is not present in population databases (gnomAD no frequency). This missense change has been observed in individual(s) with TNF receptor-associated periodic fever syndrome (TRAPS) (PMID: 20457915). This variant is also known as C52G. ClinVar contains an entry for this variant (Variation ID: 2735797). Invitae Evidence Modeling of protein sequence and biophysical properties (such as structural, functional, and spatial information, amino acid conservation, physicochemical variation, residue mobility, and thermodynamic stability) has been performed for this missense variant. However, the output from this modeling did not meet the statistical confidence thresholds required to predict the impact of this variant on TNFRSF1A protein function. This variant disrupts the p.Cys81 amino acid residue in TNFRSF1A. Other variant(s) that disrupt this residue have been determined to be pathogenic (PMID: 13130484; internal data). This suggests that this residue is clinically significant, and that variants that disrupt this residue are likely to be disease-causing. In summary, the available evidence is currently insufficient to determine the role of this variant in disease. Therefore, it has been classified as a Variant of Uncertain Significance.

Literature cited by the submitters: PubMed 20457915; PubMed 13130484.

NM_001065.4(TNFRSF1A):c.241T>G (p.Cys81Gly)

Gene: TNFRSF1A (TNF receptor superfamily member 1A; minus strand). Cytogenetic location: 12p13.31.
Variant type: single nucleotide variant.
Coding change: c.241T>G on transcript NM_001065.4 (MANE Select); coding-DNA position 241, T replaced by G.
Protein change: p.Cys81Gly; replaces cysteine 81 with glycine.
Molecular consequence: missense variant. On other transcripts: 5 prime UTR variant (2), non-coding transcript variant (1).
Genome position (GRCh38, 1-based): chr12:6,333,818, A>C on the plus strand (T>G on the coding strand, the complement: TNFRSF1A is on the minus strand). VCF-style: chr12-6333818-A-C. GRCh37 (hg19) VCF-style: chr12-6442984-A-C.
Other names: c.-84T>G (NM_001346091.2); c.-337T>G (NM_001346092.2); short protein forms C81G.
Identifiers: ClinVar variation 2735797 (VCV002735797.3), dbSNP rs104895232, ClinGen allele CA383550630.